The following is an entry in ClinVar:

ClinVar aggregate classification (germline): Uncertain significance (1 of 4 stars; one submission).

Conditions:
Hypertrophic cardiomyopathy 9. Also called: Familial hypertrophic cardiomyopathy 9. Identifiers: MedGen C1861065, MONDO:0013412, OMIM 613765.
Myopathy, myofibrillar, 9, with early respiratory failure (MFM9). Also called: Hereditary myopathy with early respiratory failure; EDSTROM MYOPATHY; MYOPATHY, PROXIMAL, WITH EARLY RESPIRATORY MUSCLE INVOLVEMENT; Myopathy, distal, with early respiratory failure, autosomal dominant. Identifiers: Orphanet 178464, Orphanet 34521, MedGen C1863599, MONDO:0011362, OMIM 603689.
Early-onset myopathy with fatal cardiomyopathy (CMYO5). Also called: CONGENITAL MYOPATHY 5 WITH CARDIOMYOPATHY; Salih Myopathy. Identifiers: Orphanet 289377, MedGen C2673677, MONDO:0012714, OMIM 611705. Disease mechanism: loss of function.
Autosomal recessive limb-girdle muscular dystrophy type 2J (LGMDR10). Also called: Limb-girdle muscular dystrophy, type 2J; MUSCULAR DYSTROPHY, LIMB-GIRDLE, AUTOSOMAL RECESSIVE 10. Identifiers: Orphanet 140922, MedGen C1837342, MONDO:0012127, OMIM 608807.
Dilated cardiomyopathy 1G (CMD1G). Identifiers: Orphanet 154, MedGen C1858763, MONDO:0011400, OMIM 604145.
Tibial muscular dystrophy (TMD). Also called: UDD MYOPATHY; Udd Distal Myopathy – Tibial Muscular Dystrophy; Tibial muscular dystrophy, tardive. Identifiers: Orphanet 609, MedGen C1838244, MONDO:0010870, OMIM 600334.

Submission:

Juno Genomics, Hangzhou Juno Genomics, Inc
Classification: Uncertain significance for Hypertrophic cardiomyopathy 9; Myopathy, myofibrillar, 9, with early respiratory failure; Tibial muscular dystrophy; Early-onset myopathy with fatal cardiomyopathy; Dilated cardiomyopathy 1G; Autosomal recessive limb-girdle muscular dystrophy type 2J. Review status: criteria provided, single submitter. Criteria: ACMG Guidelines, 2015. Collection method: clinical testing. Allele origin: germline.
Comment: Missense variant in a gene that has a low rate of benign missense variation.;Multiple lines of computational evidence support a deleterious effect on the gene or gene product.;Absent from controls (or at extremely low frequency if recessive) in Genome Aggregation Database.

NM_001267550.2(TTN):c.91456C>T (p.Leu30486Phe)

Genes: TTN (titin; minus strand), TTN-AS1 (TTN antisense RNA 1; plus strand). Cytogenetic location: 2q31.2.
Variant type: single nucleotide variant.
Coding change: c.91456C>T on transcript NM_001267550.2 (MANE Select); coding-DNA position 91456, C replaced by T.
Protein change: p.Leu30486Phe; replaces leucine 30486 with phenylalanine.
Molecular consequence: missense variant.
Genome position (GRCh38, 1-based): chr2:178,551,075, G>A on the plus strand (C>T on the coding strand, the complement: TTN is on the minus strand). VCF-style: chr2-178551075-G-A. GRCh37 (hg19) VCF-style: chr2-179415802-G-A.
Other names: c.86533C>T, p.Leu28845Phe (NM_001256850.1); c.64261C>T, p.Leu21421Phe (NM_003319.4); c.83752C>T, p.Leu27918Phe (NM_133378.4); c.64636C>T, p.Leu21546Phe (NM_133432.3); c.64837C>T, p.Leu21613Phe (NM_133437.4); short protein forms L21613F, L21421F, L28845F, L21546F, L27918F, L30486F.
Identifiers: ClinVar variation 5006142 (VCV005006142.2).